The following is an entry in ClinVar:

ClinVar aggregate classification (germline): Likely pathogenic (1 of 4 stars; one submission).

Conditions:
Autism, susceptibility to, 17. Also called: Autism susceptibility 17. Identifiers: MedGen C3150693, MONDO:0013265, OMIM 613436.

Submission:

3billion
Classification: Likely pathogenic for Autism, susceptibility to, 17. Last evaluated: 2021-10-02. Review status: criteria provided, single submitter. Criteria: ACMG Guidelines, 2015. Collection method: clinical testing. Allele origin: unknown. Affected: yes. Observed: 1 heterozygote.
Comment: Frameshift: predicted to result in a loss or disruption of normal protein function through nonsense-mediated decay (NMD) or protein truncation. Multiple pathogenic variants are reported downstream of the variant (PVS1_VS). It is not observed in the gnomAD v2.1.1 dataset (PM2). Therefore, this variant is classified as likely pathogenic according to the recommendation of ACMG/AMP guideline.

NM_012309.5(SHANK2):c.2247dup (p.Lys750fs)

Gene: SHANK2 (SH3 and multiple ankyrin repeat domains 2; minus strand). Cytogenetic location: 11q13.4.
Variant type: Duplication.
Coding change: c.2247dup on transcript NM_012309.5 (MANE Select); coding-DNA position 2247, one base duplicated (C; older notation c.2247dupC).
Protein change: p.Lys750fs; shifts the reading frame from lysine 750.
Molecular consequence: frameshift variant. On other transcripts: non-coding transcript variant (1).
Genome position (GRCh38, 1-based): chr11:70,502,237, G duplicated on the plus strand (C on the coding strand, the reverse complement: SHANK2 is on the minus strand); the first of 2 consecutive G bases (chr11:70,502,237-70,502,238); duplicating either gives the same sequence. VCF-style (leftmost placement, unchanged base first): chr11-70502236-T-TG. GRCh37 (hg19) VCF-style: chr11-70348341-T-TG.
Other names: c.1110dup, p.Lys371fs (NM_001379226.1); c.483dup, p.Lys162fs (NM_133266.5); short protein forms K162fs, K371fs, K750fs.
Identifiers: ClinVar variation 1320184 (VCV001320184.1), dbSNP rs2135822551, ClinGen allele CA2573053559.